The following is an entry in ClinVar:

ClinVar aggregate classification (germline): Uncertain significance (1 of 4 stars; one submission).

Conditions:
Joubert syndrome 21 (JBTS21). Identifiers: MedGen C3810212, MONDO:0014288, OMIM 615636.

Allele frequency attached by ClinVar (database versions not stated): TOPMed 0.00005.
gnomAD v4.1: 17 of 1,606,564 alleles (0.0011%); highest among the groups gnomAD compares: African/African-American, 0.02%; no homozygotes.

Submission:

Labcorp Genetics (formerly Invitae), Labcorp
Classification: Uncertain significance for Joubert syndrome 21. Last evaluated: 2022-06-22. Review status: criteria provided, single submitter. Criteria: Invitae Variant Classification Sherloc (09022015). Collection method: clinical testing. Allele origin: germline.
Comment: This sequence change replaces proline, which is neutral and non-polar, with arginine, which is basic and polar, at codon 723 of the CSPP1 protein (p.Pro723Arg). This variant is present in population databases (no rsID available, gnomAD 0.02%). This variant has not been reported in the literature in individuals affected with CSPP1-related conditions. Algorithms developed to predict the effect of missense changes on protein structure and function (SIFT, PolyPhen-2, Align-GVGD) all suggest that this variant is likely to be tolerated. In summary, the available evidence is currently insufficient to determine the role of this variant in disease. Therefore, it has been classified as a Variant of Uncertain Significance.

NM_001382391.1(CSPP1):c.2183C>G (p.Pro728Arg)

Gene: CSPP1 (centrosome and spindle pole associated protein 1; plus strand). Cytogenetic location: 8q13.2.
Variant type: single nucleotide variant.
Coding change: c.2183C>G on transcript NM_001382391.1 (MANE Select); coding-DNA position 2183, C replaced by G.
Protein change: p.Pro728Arg; replaces proline 728 with arginine.
Molecular consequence: missense variant.
Genome position (GRCh38, 1-based): chr8:67,154,078, C>G. VCF-style: chr8-67154078-C-G. GRCh37 (hg19) VCF-style: chr8-68066313-C-G.
Other names: c.1133C>G, p.Pro378Arg (NM_001291339.2); c.2102C>G, p.Pro701Arg (NM_001363131.2); c.1988C>G, p.Pro663Arg (NM_001363132.2); c.1907C>G, p.Pro636Arg (NM_001363133.2); c.2249C>G, p.Pro750Arg (NM_001364869.1); c.2069C>G, p.Pro690Arg (NM_001364870.1); c.2168C>G, p.Pro723Arg (NM_024790.7); short protein forms P723R, P750R, P636R, P663R, P690R, P701R, P728R, P378R.
Identifiers: ClinVar variation 2038209 (VCV002038209.1), dbSNP rs896701610, ClinGen allele CA178188044.